The following is an entry in ClinVar:

NM_003718.5(CDK13):c.1676A>G (p.Lys559Arg)

Gene: CDK13 (cyclin dependent kinase 13; plus strand). Cytogenetic location: 7p14.1.
Variant type: single nucleotide variant.
Coding change: c.1676A>G on transcript NM_003718.5 (MANE Select); coding-DNA position 1676, A replaced by G.
Protein change: p.Lys559Arg; replaces lysine 559 with arginine.
Molecular consequence: missense variant.
Genome position (GRCh38, 1-based): chr7:39,988,063, A>G. VCF-style: chr7-39988063-A-G. GRCh37 (hg19) VCF-style: chr7-40027662-A-G.
Other names: c.1676A>G, p.Lys559Arg (NM_031267.4); short protein forms K559R.
Identifiers: ClinVar variation 3708653 (VCV003708653.3).

ClinVar aggregate classification (germline): Uncertain significance. Review status: criteria provided, multiple submitters, no conflicts (2 of 4 stars). 2 submissions from 2 submitters: Uncertain significance (2). Last evaluated 2025-06-03.

Conditions:
Inborn genetic diseases. Identifiers: MedGen C0950123, MeSH D030342.

gnomAD v4.1: 17 of 1,614,132 alleles (0.0011%); highest among the groups gnomAD compares: African/African-American, 0.011%; no homozygotes.

Submissions (2):

Ambry Genetics
Classification: Uncertain significance for Inborn genetic diseases. Last evaluated: 2025-06-03. Review status: criteria provided, single submitter. Criteria: Ambry Variant Classification Scheme 2023. Collection method: clinical testing. Allele origin: germline.

Labcorp Genetics (formerly Invitae), Labcorp
Classification: Uncertain significance. Last evaluated: 2024-09-19. Review status: criteria provided, single submitter. Criteria: Invitae Variant Classification Sherloc (09022015). Collection method: clinical testing. Allele origin: germline.
Comment: This sequence change replaces lysine, which is basic and polar, with arginine, which is basic and polar, at codon 559 of the CDK13 protein (p.Lys559Arg). This variant is present in population databases (rs373649746, gnomAD 0.01%). This variant has not been reported in the literature in individuals affected with CDK13-related conditions. Invitae Evidence Modeling of protein sequence and biophysical properties (such as structural, functional, and spatial information, amino acid conservation, physicochemical variation, residue mobility, and thermodynamic stability) has been performed for this missense variant. However, the output from this modeling did not meet the statistical confidence thresholds required to predict the impact of this variant on CDK13 protein function. In summary, the available evidence is currently insufficient to determine the role of this variant in disease. Therefore, it has been classified as a Variant of Uncertain Significance.